The following is an entry in ClinVar:

ClinVar aggregate classification (germline): Uncertain significance. Review status: criteria provided, multiple submitters, no conflicts (2 of 4 stars). 4 submissions from 3 submitters: Uncertain significance (4). Last evaluated 2025-04-11.

Conditions:
ENPP1-related disorder. Also called: ENPP1-related disorders; ENPP1-related condition.
Arterial calcification, generalized, of infancy, 1 (GACI1). Also called: Idiopathic Infantile Arterial Calcification. Identifiers: Orphanet 51608, MedGen C4551985, MONDO:0008817, OMIM 208000.
Hypophosphatemic rickets, autosomal recessive, 2 (ARHR2). Identifiers: Orphanet 289176, MedGen C2750078, MONDO:0013219, OMIM 613312.

Allele frequency attached by ClinVar (database versions not stated): gnomAD 0.00001 and 0.00002; gnomAD exomes 0.00004 and 0.00010; ExAC 0.00008; TOPMed 0.00009; 1000 Genomes Project 30x 0.00016; 1000 Genomes Project 0.00020.
gnomAD v4.1: 59 of 1,595,876 alleles (0.0037%); highest among the groups gnomAD compares: East Asian, 0.12%; no homozygotes.

Submissions (4):

Labcorp Genetics (formerly Invitae), Labcorp
Classification: Uncertain significance. Last evaluated: 2025-04-11. Review status: criteria provided, single submitter. Criteria: Invitae Variant Classification Sherloc (09022015). Collection method: clinical testing. Allele origin: germline.
Comment: This sequence change replaces tyrosine, which is neutral and polar, with histidine, which is basic and polar, at codon 268 of the ENPP1 protein (p.Tyr268His). This variant is present in population databases (rs17847050, gnomAD 0.1%). This variant has not been reported in the literature in individuals affected with ENPP1-related conditions. ClinVar contains an entry for this variant (Variation ID: 355338). Invitae Evidence Modeling of protein sequence and biophysical properties (such as structural, functional, and spatial information, amino acid conservation, physicochemical variation, residue mobility, and thermodynamic stability) indicates that this missense variant is expected to disrupt ENPP1 protein function with a positive predictive value of 80%. In summary, the available evidence is currently insufficient to determine the role of this variant in disease. Therefore, it has been classified as a Variant of Uncertain Significance.

PreventionGenetics, part of Exact Sciences
Classification: Uncertain significance for ENPP1-related condition. Last evaluated: 2024-12-23. Review status: criteria provided, single submitter. Criteria: ACMG Guidelines, 2015. Collection method: clinical testing. Allele origin: germline.
Comment: The ENPP1 c.802T>C variant is predicted to result in the amino acid substitution p.Tyr268His. To our knowledge, this variant has not been reported in the literature. This variant is reported in 0.11% of alleles in individuals of East Asian descent in gnomAD. At this time, the clinical significance of this variant is uncertain due to the absence of conclusive functional and genetic evidence.

Illumina Laboratory Services, Illumina
Classification: Uncertain significance for Hypophosphatemic rickets, autosomal recessive, 2. Last evaluated: 2018-01-13. Review status: criteria provided, single submitter. Criteria: ICSL Variant Classification Criteria 13 December 2019. Collection method: clinical testing. Allele origin: germline.

Illumina Laboratory Services, Illumina
Classification: Uncertain significance for Arterial calcification, generalized, of infancy, 1. Last evaluated: 2018-01-13. Review status: criteria provided, single submitter. Criteria: ICSL Variant Classification Criteria 13 December 2019. Collection method: clinical testing. Allele origin: germline.

NM_006208.3(ENPP1):c.802T>C (p.Tyr268His)

Gene: ENPP1 (ectonucleotide pyrophosphatase/phosphodiesterase 1; plus strand). Cytogenetic location: 6q23.2.
Variant type: single nucleotide variant.
Coding change: c.802T>C on transcript NM_006208.3 (MANE Select); coding-DNA position 802, T replaced by C.
Protein change: p.Tyr268His; replaces tyrosine 268 with histidine.
Molecular consequence: missense variant.
Genome position (GRCh38, 1-based): chr6:131,860,393, T>C. VCF-style: chr6-131860393-T-C. GRCh37 (hg19) VCF-style: chr6-132181533-T-C.
Other names: short protein forms Y268H.
Identifiers: ClinVar variation 355338 (VCV000355338.10), dbSNP rs17847050, ClinGen allele CA4002014.